The following is an entry in ClinVar:

NM_014956.5(CEP164):c.3032T>C (p.Leu1011Pro)

Gene: CEP164 (centrosomal protein 164; plus strand). Cytogenetic location: 11q23.3.
Variant type: single nucleotide variant.
Coding change: c.3032T>C on transcript NM_014956.5 (MANE Select); coding-DNA position 3032, T replaced by C.
Protein change: p.Leu1011Pro; replaces leucine 1011 with proline.
Molecular consequence: missense variant.
Genome position (GRCh38, 1-based): chr11:117,395,665, T>C. VCF-style: chr11-117395665-T-C. GRCh37 (hg19) VCF-style: chr11-117266381-T-C.
Other names: p.Leu1011Pro; c.3041T>C, p.Leu1014Pro (NM_001271933.2); short protein forms L1011P, L1014P.
Identifiers: ClinVar variation 772493 (VCV000772493.17), dbSNP rs138868323, ClinGen allele CA6295305.

ClinVar aggregate classification (germline): Conflicting classifications of pathogenicity. Review status: criteria provided, conflicting classifications (1 of 4 stars). 5 submissions from 5 submitters: Uncertain significance (2); Benign (1); Likely benign (1). 1 of the submissions does not count toward it. Last evaluated 2026-01-24.

Conditions:
CEP164-related disorder. Also called: CEP164-related condition.
Nephronophthisis 15 (NPHP15). Identifiers: Orphanet 3156, MedGen C3541853, MONDO:0013917, OMIM 614845.

Allele frequency attached by ClinVar (database versions not stated): gnomAD exomes 0.00033 and 0.00014; ExAC 0.00043; 1000 Genomes Project 0.00120; 1000 Genomes Project 30x 0.00141; ESP Exome Variant Server 0.00162; gnomAD 0.00166 and 0.00177; TOPMed 0.00194.
gnomAD v4.1: 475 of 1,613,554 alleles (0.029%); highest among the groups gnomAD compares: African/African-American, 0.56%; no homozygotes.

Submissions (5):

Labcorp Genetics (formerly Invitae), Labcorp
Classification: Likely benign for Nephronophthisis 15. Last evaluated: 2026-01-24. Review status: criteria provided, single submitter. Criteria: Invitae Variant Classification Sherloc (09022015). Collection method: clinical testing. Allele origin: germline.

GeneDx
Classification: Uncertain significance. Last evaluated: 2026-01-12. Review status: criteria provided, single submitter. Criteria: GeneDx Variant Classification Process June 2021. Collection method: clinical testing. Allele origin: germline. Affected: yes.
Comment: Has not been previously published as pathogenic or benign to our knowledge; In silico analysis supports that this missense variant has a deleterious effect on protein structure/function

Blueprint Genetics
Classification: Benign. Last evaluated: 2024-09-10. Review status: criteria provided, single submitter. Criteria: ACMG Guidelines, 2015. Collection method: clinical testing. Allele origin: germline.

Mayo Clinic Laboratories, Mayo Clinic
Classification: Uncertain significance. Last evaluated: 2024-01-30. Review status: criteria provided, single submitter. Criteria: ACMG Guidelines, 2015. Collection method: clinical testing. Allele origin: germline. Observed: 1 variant allele.
Comment: BS1

PreventionGenetics, part of Exact Sciences
Classification: Likely benign for CEP164-related condition. Last evaluated: 2019-10-25. Review status: no assertion criteria provided. Collection method: clinical testing. Allele origin: germline. Not counted in ClinVar's aggregate classification.
Comment: This variant is classified as likely benign based on ACMG/AMP sequence variant interpretation guidelines (Richards et al. 2015 PMID: 25741868, with internal and published modifications).